The following is an entry in ClinVar:

ClinVar aggregate classification (germline): Uncertain significance. Review status: criteria provided, multiple submitters, no conflicts (2 of 4 stars). 2 submissions from 2 submitters: Uncertain significance (2). Last evaluated 2025-07-17.

Conditions:
Cardiomyopathy (CMYO). Also called: Cardiomyopathies. Identifiers: Orphanet 167848, MedGen C0878544, MONDO:0004994, HP:0001638. Inheritance: Various modes of inheritance.
Familial isolated arrhythmogenic right ventricular dysplasia. Identifiers: Orphanet 217656, MedGen C4274968, MONDO:0016342.

Allele frequency attached by ClinVar (database versions not stated): TOPMed below 0.00001; ExAC 0.00001; gnomAD exomes below 0.00001.
gnomAD v4.1: 3 of 1,613,932 alleles (0.00019%); highest among the groups gnomAD compares: Non-Finnish European, 0.00025%; no homozygotes.

Submissions (2):

Color Diagnostics, LLC DBA Color Health
Classification: Uncertain significance for Cardiomyopathy. Last evaluated: 2025-07-17. Review status: criteria provided, single submitter. Criteria: ACMG Guidelines, 2015. Collection method: clinical testing. Allele origin: germline.
Comment: This missense variant replaces isoleucine with threonine at codon 395 of the DSC2 protein. Computational prediction is inconclusive regarding the impact of this variant on protein structure and function. To our knowledge, functional studies have not been reported for this variant. This variant has not been reported in individuals affected with DSC2-related disorders in the literature. This variant has been identified in 1/251104 chromosomes in the general population by the Genome Aggregation Database (gnomAD). The available evidence is insufficient to determine the role of this variant in disease conclusively. Therefore, this variant is classified as a Variant of Uncertain Significance.

All of Us Research Program, National Institutes of Health
Classification: Uncertain significance for Familial isolated arrhythmogenic right ventricular dysplasia. Last evaluated: 2023-11-20. Review status: criteria provided, single submitter. Criteria: ACMG Guidelines, 2015. Collection method: clinical testing. Allele origin: germline. Inheritance: Autosomal dominant inheritance. Observed: 2 variant alleles, 2 heterozygotes.
Comment: This missense variant replaces isoleucine with threonine at codon 395 of the DSC2 protein. Computational prediction is inconclusive regarding the impact of this variant on protein structure and function (internally defined REVEL score threshold 0.5 < inconclusive < 0.7, PMID: 27666373). To our knowledge, functional studies have not been reported for this variant. This variant has not been reported in individuals affected with DSC2-related disorders in the literature. This variant has been identified in 1/251104 chromosomes in the general population by the Genome Aggregation Database (gnomAD). The available evidence is insufficient to determine the role of this variant in disease conclusively. Therefore, this variant is classified as a Variant of Uncertain Significance.

This study involves interpretation of variants in research participants for the purpose of population health screening. Participant phenotype was not available at the time of variant classification. Additional details can be found in publication PMID: 35346344, PMCID: PMC8962531

NM_024422.6(DSC2):c.1184T>C (p.Ile395Thr)

Gene: DSC2 (desmocollin 2; minus strand). Cytogenetic location: 18q12.1.
Variant type: single nucleotide variant.
Coding change: c.1184T>C on transcript NM_024422.6 (MANE Select); coding-DNA position 1184, T replaced by C.
Protein change: p.Ile395Thr; replaces isoleucine 395 with threonine.
Molecular consequence: missense variant.
Genome position (GRCh38, 1-based): chr18:31,082,317, A>G on the plus strand (T>C on the coding strand, the complement: DSC2 is on the minus strand). VCF-style: chr18-31082317-A-G. GRCh37 (hg19) VCF-style: chr18-28662283-A-G.
Other names: c.1184T>C, p.Ile395Thr (NM_004949.5); c.755T>C, p.Ile252Thr (NM_001406506.1, NM_001406507.1); short protein forms I252T, I395T.
Identifiers: ClinVar variation 3071297 (VCV003071297.2), dbSNP rs768706276, ClinGen allele CA030155.